The following is an entry in ClinVar:

NM_001105206.3(LAMA4):c.3930G>A (p.Gly1310=)

Gene: LAMA4 (laminin subunit alpha 4; minus strand). Cytogenetic location: 6q21.
Variant type: single nucleotide variant.
Coding change: c.3930G>A on transcript NM_001105206.3 (MANE Select); coding-DNA position 3930, G replaced by A.
Protein change: p.Gly1310=; no amino-acid change (glycine 1310 retained).
Molecular consequence: synonymous variant.
Genome position (GRCh38, 1-based): chr6:112,131,006, C>T on the plus strand (G>A on the coding strand, the complement: LAMA4 is on the minus strand). VCF-style: chr6-112131006-C-T. GRCh37 (hg19) VCF-style: chr6-112452208-C-T.
Other names: c.3909G>A, p.Gly1303= (NM_001105207.3, NM_002290.5).
Identifiers: ClinVar variation 1119728 (VCV001119728.30), dbSNP rs138810316, ClinGen allele CA3965096.

ClinVar aggregate classification (germline): Likely benign. Review status: criteria provided, multiple submitters, no conflicts (2 of 4 stars). 2 submissions from 2 submitters: Likely benign (2). Last evaluated 2024-10-07.

Conditions:
Dilated cardiomyopathy 1JJ (CMD1JJ). Identifiers: Orphanet 154, MedGen C3808935, MONDO:0014095, OMIM 615235.

Allele frequency attached by ClinVar (database versions not stated): ExAC 0.00001; gnomAD 0.00001; gnomAD exomes 0.00001 and 0.00003; TOPMed 0.00001; ESP Exome Variant Server 0.00008.
gnomAD v4.1: 38 of 1,612,818 alleles (0.0024%); highest among the groups gnomAD compares: Non-Finnish European, 0.0031%; no homozygotes.

Submissions (2):

Labcorp Genetics (formerly Invitae), Labcorp
Classification: Likely benign for Dilated cardiomyopathy 1JJ. Last evaluated: 2024-10-07. Review status: criteria provided, single submitter. Criteria: Invitae Variant Classification Sherloc (09022015). Collection method: clinical testing. Allele origin: germline.

CeGaT Center for Human Genetics Tuebingen
Classification: Likely benign. Last evaluated: 2024-03-01. Review status: criteria provided, single submitter. Criteria: CeGaT Center For Human Genetics Tuebingen Variant Classification Criteria Version 2. Collection method: clinical testing. Allele origin: germline. Affected: yes. Observed: 1 variant allele.
Comment: LAMA4: BP4, BP7